The following is an entry in ClinVar:

NM_004655.4(AXIN2):c.1557C>A (p.Ile519=)

Gene: AXIN2 (axin 2; minus strand). Cytogenetic location: 17q24.1.
Variant type: single nucleotide variant.
Coding change: c.1557C>A on transcript NM_004655.4 (MANE Select); coding-DNA position 1557, C replaced by A.
Protein change: p.Ile519=; no amino-acid change (isoleucine 519 retained).
Molecular consequence: synonymous variant.
Genome position (GRCh38, 1-based): chr17:65,537,479, G>T on the plus strand (C>A on the coding strand, the complement: AXIN2 is on the minus strand). VCF-style: chr17-65537479-G-T. GRCh37 (hg19) VCF-style: chr17-63533597-G-T.
Other names: c.1557C>A, p.Ile519= (NM_001363813.1).
Identifiers: ClinVar variation 2044636 (VCV002044636.5), dbSNP rs374444786, ClinGen allele CA501691274.
Genomic context (GRCh38, chr17:65,537,479, plus strand): 5'-CACCCGCTGCGTGGCCTCCGCCTCGATCTCCTCCTTGGTCTTGGGGACGGCATGGTGGTG[G>T]ATGTAGTGGTGGTGGACATGCTTCGTCGTCTGCTTGGTCACAAAGCCTTTGCCCCCGAGG-3'
Protein context (NP_004646.3, residues 509-529): QTTKHVHHHY[Ile519=]HHHAVPKTKE

ClinVar aggregate classification (germline): Benign/Likely benign. Review status: criteria provided, multiple submitters, no conflicts (2 of 4 stars). 2 submissions from 2 submitters: Benign (1); Likely benign (1). Last evaluated 2024-07-03.

Conditions:
Oligodontia-cancer predisposition syndrome. Also called: TOOTH AGENESIS-COLORECTAL CANCER SYNDROME. Identifiers: Orphanet 300576, MedGen C1837750, MONDO:0012075, OMIM 608615. Disease mechanism: loss of function.

gnomAD v4.1: 1 of 1,613,922 alleles (0.000062%); highest among the groups gnomAD compares: South Asian, 0.0011%; no homozygotes.

Submissions (2):

Myriad Genetics, Inc.
Classification: Benign for Oligodontia-cancer predisposition syndrome. Last evaluated: 2024-07-03. Review status: criteria provided, single submitter. Criteria: Myriad Autosomal Dominant, Autosomal Recessive and X-Linked Classification Criteria (2023). Collection method: clinical testing. Allele origin: unknown.
Comment: This variant is considered benign. This variant is a silent/synonymous amino acid change and it is not expected to impact splicing.

Labcorp Genetics (formerly Invitae), Labcorp
Classification: Likely benign for Oligodontia-cancer predisposition syndrome. Last evaluated: 2021-12-17. Review status: criteria provided, single submitter. Criteria: Invitae Variant Classification Sherloc (09022015). Collection method: clinical testing. Allele origin: germline.